The following is an entry in ClinVar:

NM_006231.4(POLE):c.6295A>G (p.Asn2099Asp)

Gene: POLE (DNA polymerase epsilon, catalytic subunit; minus strand). Cytogenetic location: 12q24.33.
Variant type: single nucleotide variant.
Coding change: c.6295A>G on transcript NM_006231.4 (MANE Select); coding-DNA position 6295, A replaced by G.
Protein change: p.Asn2099Asp; replaces asparagine 2099 with aspartic acid.
Molecular consequence: missense variant.
Genome position (GRCh38, 1-based): chr12:132,632,350, T>C on the plus strand (A>G on the coding strand, the complement: POLE is on the minus strand). VCF-style: chr12-132632350-T-C. GRCh37 (hg19) VCF-style: chr12-133208936-T-C.
Other names: short protein forms N2099D.
Identifiers: ClinVar variation 2447952 (VCV002447952.4), dbSNP rs2041949565, ClinGen allele CA387369333.

ClinVar aggregate classification (germline): Uncertain significance. Review status: criteria provided, multiple submitters, no conflicts (2 of 4 stars). 2 submissions from 2 submitters: Uncertain significance (2). Last evaluated 2025-10-26.

Conditions:
Hereditary cancer-predisposing syndrome. Also called: Neoplastic Syndromes, Hereditary; Hereditary Cancer Syndrome; Tumor predisposition; Hereditary neoplastic syndrome. Identifiers: Orphanet 140162, MedGen C0027672, MeSH D009386, MONDO:0015356.

Allele frequency attached by ClinVar (database versions not stated): gnomAD exomes below 0.00001.
gnomAD v4.1: 1 of 1,614,152 alleles (0.000062%); highest among the groups gnomAD compares: Non-Finnish European, 0.000085%; no homozygotes.

Submissions (2):

Ambry Genetics
Classification: Uncertain significance for Hereditary cancer-predisposing syndrome. Last evaluated: 2025-10-26. Review status: criteria provided, single submitter. Criteria: Ambry Variant Classification Scheme 2023. Collection method: clinical testing. Allele origin: germline.
Comment: The p.N2099D variant (also known as c.6295A>G), located in coding exon 45 of the POLE gene, results from an A to G substitution at nucleotide position 6295. The asparagine at codon 2099 is replaced by aspartic acid, an amino acid with highly similar properties. This amino acid position is conserved. In addition, this alteration is predicted to be tolerated by in silico analysis. Since supporting evidence is limited at this time, the clinical significance of this alteration remains unclear.

Labcorp Genetics (formerly Invitae), Labcorp
Classification: Uncertain significance. Last evaluated: 2025-06-29. Review status: criteria provided, single submitter. Criteria: Invitae Variant Classification Sherloc (09022015). Collection method: clinical testing. Allele origin: germline.
Comment: This sequence change replaces asparagine, which is neutral and polar, with aspartic acid, which is acidic and polar, at codon 2099 of the POLE protein (p.Asn2099Asp). This variant is not present in population databases (gnomAD no frequency). This variant has not been reported in the literature in individuals affected with POLE-related conditions. ClinVar contains an entry for this variant (Variation ID: 2447952). Invitae Evidence Modeling of protein sequence and biophysical properties (such as structural, functional, and spatial information, amino acid conservation, physicochemical variation, residue mobility, and thermodynamic stability) indicates that this missense variant is not expected to disrupt POLE protein function with a negative predictive value of 80%. In summary, the available evidence is currently insufficient to determine the role of this variant in disease. Therefore, it has been classified as a Variant of Uncertain Significance.